The following is an entry in ClinVar:

ClinVar aggregate classification (germline): Conflicting classifications of pathogenicity. Review status: criteria provided, conflicting classifications (1 of 4 stars). 6 submissions from 6 submitters: Uncertain significance (4); Likely benign (2). Last evaluated 2025-09-16.

Conditions:
Hereditary cancer-predisposing syndrome. Also called: Tumor predisposition; Neoplastic Syndromes, Hereditary; Hereditary Cancer Syndrome; Hereditary neoplastic syndrome. Identifiers: Orphanet 140162, MedGen C0027672, MeSH D009386, MONDO:0015356.
Tuberous sclerosis syndrome (TSC). Also called: Tuberous Sclerosis Complex; Tuberous sclerosis. Identifiers: Orphanet 805, MedGen C0041341, MONDO:0001734.
Tuberous sclerosis 1 (TSC1). Identifiers: Orphanet 805, MedGen C1854465, MONDO:0008612, OMIM 191100.

Allele frequency attached by ClinVar (database versions not stated): TOPMed below 0.00001; gnomAD 0.00001; gnomAD exomes 0.00001.

Submissions (6):

Labcorp Genetics (formerly Invitae), Labcorp
Classification: Likely benign for Tuberous sclerosis 1. Last evaluated: 2025-09-16. Review status: criteria provided, single submitter. Criteria: Invitae Variant Classification Sherloc (09022015). Collection method: clinical testing. Allele origin: germline.

All of Us Research Program, National Institutes of Health
Classification: Uncertain significance for Tuberous sclerosis syndrome. Last evaluated: 2023-10-02. Review status: criteria provided, single submitter. Criteria: ACMG Guidelines, 2015. Collection method: clinical testing. Allele origin: germline. Inheritance: Autosomal dominant inheritance. Observed: 1 variant allele, 1 heterozygote.
Comment: This missense variant replaces threonine with alanine at codon 643 of the TSC1 protein. Computational prediction suggests that this variant may not impact protein structure and function (internally defined REVEL score threshold <= 0.5, PMID: 27666373). To our knowledge, functional studies have not been reported for this variant. This variant has not been reported in individuals affected with TSC1-related disorders in the literature. This variant has been identified in 3/251418 chromosomes in the general population by the Genome Aggregation Database (gnomAD). The available evidence is insufficient to determine the role of this variant in disease conclusively. Therefore, this variant is classified as a Variant of Uncertain Significance.

This study involves interpretation of variants in research participants for the purpose of population health screening. Participant phenotype was not available at the time of variant classification. Additional details can be found in publication PMID: 35346344, PMCID: PMC8962531

Color Diagnostics, LLC DBA Color Health
Classification: Uncertain significance for Tuberous sclerosis syndrome. Last evaluated: 2023-08-16. Review status: criteria provided, single submitter. Criteria: ACMG Guidelines, 2015. Collection method: clinical testing. Allele origin: germline.
Comment: This missense variant replaces threonine with alanine at codon 643 of the TSC1 protein. Computational prediction suggests that this variant may not impact protein structure and function (internally defined REVEL score threshold <= 0.5, PMID: 27666373). To our knowledge, functional studies have not been reported for this variant. This variant has not been reported in individuals affected with TSC1-related disorders in the literature. This variant has been identified in 3/251418 chromosomes in the general population by the Genome Aggregation Database (gnomAD). The available evidence is insufficient to determine the role of this variant in disease conclusively. Therefore, this variant is classified as a Variant of Uncertain Significance.

Genome-Nilou Lab
Classification: Uncertain significance for Tuberous sclerosis 1. Last evaluated: 2021-11-07. Review status: criteria provided, single submitter. Criteria: ACMG Guidelines, 2015. Collection method: clinical testing. Allele origin: germline. Affected: no.

GeneDx
Classification: Uncertain significance. Last evaluated: 2020-01-21. Review status: criteria provided, single submitter. Criteria: GeneDx Variant Classification Process June 2021. Collection method: clinical testing. Allele origin: germline. Affected: yes.
Comment: In silico analysis, which includes protein predictors and evolutionary conservation, supports that this variant does not alter protein structure/function; Has not been previously published as pathogenic or benign to our knowledge

Ambry Genetics
Classification: Likely benign for Hereditary cancer-predisposing syndrome. Last evaluated: 2017-11-06. Review status: criteria provided, single submitter. Criteria: Ambry Variant Classification Scheme 2023. Collection method: clinical testing. Allele origin: germline.

NM_000368.5(TSC1):c.1927A>G (p.Thr643Ala)

Gene: TSC1 (TSC complex subunit 1; minus strand). Cytogenetic location: 9q34.13.
Variant type: single nucleotide variant.
Coding change: c.1927A>G on transcript NM_000368.5 (MANE Select); coding-DNA position 1927, A replaced by G.
Protein change: p.Thr643Ala; replaces threonine 643 with alanine.
Molecular consequence: missense variant.
Genome position (GRCh38, 1-based): chr9:132,905,651, T>C on the plus strand (A>G on the coding strand, the complement: TSC1 is on the minus strand). VCF-style: chr9-132905651-T-C. GRCh37 (hg19) VCF-style: chr9-135781038-T-C.
Other names: c.1924A>G, p.Thr642Ala (NM_001162426.2); c.1774A>G, p.Thr592Ala (NM_001162427.2); c.1564A>G, p.Thr522Ala (NM_001362177.2); short protein forms T643A, T592A, T642A, T522A.
Identifiers: ClinVar variation 486569 (VCV000486569.19), dbSNP rs1485955306, ClinGen allele CA375362637.